The following is an entry in ClinVar:

ClinVar aggregate classification (germline): Uncertain significance (1 of 4 stars; one submission).

Conditions:
TMEM67-related disorder. Also called: TMEM67-related disorders; TMEM67-related condition. Identifiers: MedGen CN239423.

Submission:

PreventionGenetics, part of Exact Sciences
Classification: Uncertain significance for TMEM67-related condition. Last evaluated: 2025-01-10. Review status: criteria provided, single submitter. Criteria: ACMG Guidelines, 2015. Collection method: clinical testing. Allele origin: germline.
Comment: The TMEM67 c.2316G>C variant is predicted to result in the amino acid substitution p.Met772Ile. To our knowledge, this variant has not been reported in the literature or in a large population database (gnomAD), indicating this variant is rare. At this time, the clinical significance of this variant is uncertain due to the absence of conclusive functional and genetic evidence.

NM_153704.6(TMEM67):c.2316G>C (p.Met772Ile)

Gene: TMEM67 (transmembrane protein 67; plus strand). Cytogenetic location: 8q22.1.
Variant type: single nucleotide variant.
Coding change: c.2316G>C on transcript NM_153704.6 (MANE Select); coding-DNA position 2316, G replaced by C.
Protein change: p.Met772Ile; replaces methionine 772 with isoleucine.
Molecular consequence: missense variant. On other transcripts: non-coding transcript variant (1).
Genome position (GRCh38, 1-based): chr8:93,803,678, G>C. VCF-style: chr8-93803678-G-C. GRCh37 (hg19) VCF-style: chr8-94815906-G-C.
Other names: c.2073G>C, p.Met691Ile (NM_001142301.1); short protein forms M691I, M772I.
Identifiers: ClinVar variation 4997640 (VCV004997640.1).